The following is an entry in ClinVar:

NM_003054.6(SLC18A2):c.1071-4G>A

Gene: SLC18A2 (solute carrier family 18 member A2; plus strand). Cytogenetic location: 10q25.3.
Variant type: single nucleotide variant.
Coding change: c.1071-4G>A on transcript NM_003054.6 (MANE Select); 4 bases into the intron before coding-DNA position 1071, G replaced by A.
Molecular consequence: intron variant.
Genome position (GRCh38, 1-based): chr10:117,266,980, G>A. VCF-style: chr10-117266980-G-A. GRCh37 (hg19) VCF-style: chr10-119026491-G-A.
Identifiers: ClinVar variation 387128 (VCV000387128.1), dbSNP rs751549114, ClinGen allele CA5710557.

ClinVar aggregate classification (germline): Likely benign (1 of 4 stars; one submission).

Allele frequency attached by ClinVar (database versions not stated): gnomAD 0.00001; TOPMed 0.00001; ExAC 0.00004; gnomAD exomes 0.00006.
gnomAD v4.1: 86 of 1,612,068 alleles (0.0053%); highest among the groups gnomAD compares: East Asian, 0.13%; 1 homozygote.

Submission:

GeneDx
Classification: Likely benign. Last evaluated: 2016-06-16. Review status: criteria provided, single submitter. Criteria: GeneDx Variant Classification (06012015). Collection method: clinical testing. Allele origin: germline. Affected: yes.
Comment: This variant is considered likely benign or benign based on one or more of the following criteria: it is a conservative change, it occurs at a poorly conserved position in the protein, it is predicted to be benign by multiple in silico algorithms, and/or has population frequency not consistent with disease.